The following is an entry in ClinVar:

NM_001042492.3(NF1):c.5173_5174insGCATGAGCACATAGAGCATGA (p.Lys1725delinsSerMetSerThrTer)

Gene: NF1 (neurofibromin 1; plus strand). Cytogenetic location: 17q11.2.
Variant type: Insertion.
Coding change: c.5173_5174insGCATGAGCACATAGAGCATGA on transcript NM_001042492.3 (MANE Select); coding-DNA positions 5173 to 5174, GCATGAGCACATAGAGCATGA inserted.
Protein change: p.Lys1725delinsSerMetSerThrTer.
Molecular consequence: nonsense.
Genome position: GRCh38 VCF-style: chr17-31326155-A-AGAGCATGAGCACATAGAGCAT. GRCh37 (hg19) VCF-style: chr17-29653173-A-AGAGCATGAGCACATAGAGCAT.
Other names: c.5110_5111insGCATGAGCACATAGAGCATGA, p.Lys1704_Asp2038delinsSerMetSerThrTer (NM_000267.4).
Identifiers: ClinVar variation 3640538 (VCV003640538.2).

ClinVar aggregate classification (germline): Pathogenic (1 of 4 stars; one submission).

Conditions:
Neurofibromatosis, type 1 (NF1). Also called: VON RECKLINGHAUSEN DISEASE; Peripheral type neurofibromatosis; NEUROFIBROMATOSIS, TYPE I, SOMATIC; Neurofibromatosis, type I. Identifiers: Orphanet 636, MedGen C0027831, MONDO:0018975, OMIM 162200. Disease mechanism: loss of function.

Submission:

Labcorp Genetics (formerly Invitae), Labcorp
Classification: Pathogenic for Neurofibromatosis, type 1. Last evaluated: 2024-02-14. Review status: criteria provided, single submitter. Criteria: Invitae Variant Classification Sherloc (09022015). Collection method: clinical testing. Allele origin: germline.
Comment: This sequence change creates a premature translational stop signal (p.Gln1703_Lys1704insSerMetSerThr*) in the NF1 gene. It is expected to result in an absent or disrupted protein product. Loss-of-function variants in NF1 are known to be pathogenic (PMID: 10712197, 23913538). This variant is not present in population databases (gnomAD no frequency). This variant has not been reported in the literature in individuals affected with NF1-related conditions. For these reasons, this variant has been classified as Pathogenic.

Literature cited by the submitters: PubMed 10712197; PubMed 23913538.